The following is an entry in ClinVar:

NM_001277115.2(DNAH11):c.983-1G>T

Gene: DNAH11 (dynein axonemal heavy chain 11; plus strand). Cytogenetic location: 7p15.3.
Variant type: single nucleotide variant.
Coding change: c.983-1G>T on transcript NM_001277115.2 (MANE Select); the canonical splice acceptor site of the intron before coding-DNA position 983, G replaced by T.
Molecular consequence: splice acceptor variant.
Genome position (GRCh38, 1-based): chr7:21,564,185, G>T. VCF-style: chr7-21564185-G-T. GRCh37 (hg19) VCF-style: chr7-21603803-G-T.
Other names: c.983-1G>T (NM_003777.3).
Identifiers: ClinVar variation 962440 (VCV000962440.36), dbSNP rs777285019, ClinGen allele CA4178869.

ClinVar aggregate classification (germline): Pathogenic/Likely pathogenic. Review status: criteria provided, multiple submitters, no conflicts (2 of 4 stars). 5 submissions from 5 submitters: Pathogenic (4); Likely pathogenic (1). Last evaluated 2025-05-26.

Conditions:
Primary ciliary dyskinesia. Also called: Ciliary dyskinesia. Identifiers: Orphanet 244, MedGen C0008780, MONDO:0016575, HP:0012265.
Primary ciliary dyskinesia 7. Also called: CILIARY DYSKINESIA, PRIMARY, 7, WITH OR WITHOUT SITUS INVERSUS. Identifiers: Orphanet 244, MedGen C2678473, MONDO:0012748, OMIM 611884.

Allele frequency attached by ClinVar (database versions not stated): gnomAD exomes 0.00001 and 0.00003; ExAC 0.00004.
gnomAD v4.1: 21 of 1,560,222 alleles (0.0013%); highest among the groups gnomAD compares: South Asian, 0.025%; no homozygotes.

Submissions (5):

First Genomix Gene Laboratory, Genetic Diagnostics Department
Classification: Pathogenic for Primary ciliary dyskinesia 7. Last evaluated: 2025-05-26. Review status: criteria provided, single submitter. Criteria: ACMG Guidelines, 2015. Collection method: clinical testing. Allele origin: germline. Inheritance: Autosomal recessive inheritance. Affected: no. Observed: 1 variant allele.

Labcorp Genetics (formerly Invitae), Labcorp
Classification: Pathogenic for Primary ciliary dyskinesia. Last evaluated: 2025-05-07. Review status: criteria provided, single submitter. Criteria: Invitae Variant Classification Sherloc (09022015). Collection method: clinical testing. Allele origin: germline.
Comment: This sequence change affects an acceptor splice site in intron 5 of the DNAH11 gene. It is expected to disrupt RNA splicing. Variants that disrupt the donor or acceptor splice site typically lead to a loss of protein function (PMID: 16199547), and loss-of-function variants in DNAH11 are known to be pathogenic (PMID: 18022865, 20513915, 22184204). This variant is present in population databases (rs777285019, gnomAD 0.02%). Disruption of this splice site has been observed in individual(s) with clinical features of primary ciliary dyskinesia (PMID: 32253119). ClinVar contains an entry for this variant (Variation ID: 962440). Algorithms developed to predict the effect of sequence changes on RNA splicing suggest that this variant may disrupt the consensus splice site. For these reasons, this variant has been classified as Pathogenic.

Department of Pathology and Laboratory Medicine, Sinai Health System
Classification: Pathogenic for Primary ciliary dyskinesia 7. Last evaluated: 2023-07-11. Review status: criteria provided, single submitter. Criteria: ACMG Guidelines, 2015. Collection method: research. Allele origin: germline.

CeGaT Center for Human Genetics Tuebingen
Classification: Pathogenic. Last evaluated: 2023-01-01. Review status: criteria provided, single submitter. Criteria: CeGaT Center For Human Genetics Tuebingen Variant Classification Criteria Version 2. Collection method: clinical testing. Allele origin: germline. Affected: yes. Observed: 1 variant allele.
Comment: DNAH11: PVS1, PM2, PM3:Supporting

Ambry Genetics
Classification: Likely pathogenic for Primary ciliary dyskinesia. Last evaluated: 2014-07-16. Review status: criteria provided, single submitter. Criteria: Ambry Variant Classification Scheme 2023. Collection method: clinical testing. Allele origin: germline.
Comment: The c.983-1G>T intronic variant, results from a G to T one nucleotide upstream from coding exon 6 of the DNAH11 gene. This variant was not reported in population based cohorts in the following databases: Database of Single Nucleotide Polymorphisms (dbSNP), NHLBI Exome Sequencing Project (ESP), and 1000 Genomes Project. In the ESP, this variant was not observed in 5943 samples (11886 alleles) with coverage at this position. This nucleotide position is completely conserved on sequence alignment. Using two different splice site prediction tools, this alteration is predicted by ESEfinder to abolish the native acceptor splice site, but is predicted to weaken (but not abolish) the efficacy of the native acceptor splice site by BDGP; however, direct evidence is unavailable. In addition, alterations that disrupt the canonical splice acceptor site are typically deleterious in nature (ACMG Recommendations for Standards for Interpretation and Reporting of Sequence Variations. Revision 2007. Genet Med. 2008;10:294). As such, the c.983-1G>T variant is classified as likely pathogenic.

Literature cited by the submitters: PubMed 16199547 (cited by Labcorp Genetics (formerly Invitae), Labcorp); PubMed 18022865 (cited by Labcorp Genetics (formerly Invitae), Labcorp); PubMed 20513915 (cited by Labcorp Genetics (formerly Invitae), Labcorp); PubMed 22184204 (cited by Labcorp Genetics (formerly Invitae), Labcorp); PubMed 32253119 (cited by Labcorp Genetics (formerly Invitae), Labcorp).